The following is an entry in ClinVar:

NM_001429.4(EP300):c.6782AGC[1] (p.Gln2262del)

Gene: EP300 (E1A binding protein p300; plus strand). Cytogenetic location: 22q13.2.
Variant type: Microsatellite.
Coding change: c.6782AGC[1] on transcript NM_001429.4 (MANE Select); one copy of the 3-base unit AGC starting at c.6782; the reference has two copies in a row; one copy, 3 bases deleted.
Protein change: p.Gln2262del; deletes glutamine 2262.
Genome position (GRCh38, 1-based): chr22:41,178,496-41,178,498, AGC deleted; deleting any 3 consecutive bases within chr22:41,178,492-41,178,498 gives the same sequence; the position shown is the placement nearest the transcript's 3' end. VCF-style (leftmost placement, unchanged base first): chr22-41178491-TCAG-T. GRCh37 (hg19) VCF-style: chr22-41574495-TCAG-T.
Other names: c.6704AGC[1], p.Gln2236del (NM_001362843.2); short protein forms Q2236del, Q2262del.
Identifiers: ClinVar variation 3774838 (VCV003774838.1).

ClinVar aggregate classification (germline): Uncertain significance (1 of 4 stars; one submission).

Submission:

GeneDx
Classification: Uncertain significance. Last evaluated: 2024-09-30. Review status: criteria provided, single submitter. Criteria: GeneDx Variant Classification Process June 2021. Collection method: clinical testing. Allele origin: germline. Affected: yes.
Comment: Not observed at significant frequency in large population cohorts (gnomAD); In-frame deletion of 1 amino acid in a non-repeat region; In silico analysis supports a deleterious effect on protein structure/function; Has not been previously published as pathogenic or benign to our knowledge